The following is an entry in ClinVar:

NM_032043.3(BRIP1):c.1413T>G (p.Asn471Lys)

Gene: BRIP1 (BRCA1 interacting DNA helicase 1; minus strand). Cytogenetic location: 17q23.2.
Variant type: single nucleotide variant.
Coding change: c.1413T>G on transcript NM_032043.3 (MANE Select); coding-DNA position 1413, T replaced by G.
Protein change: p.Asn471Lys; replaces asparagine 471 with lysine.
Molecular consequence: missense variant.
Genome position (GRCh38, 1-based): chr17:61,793,657, A>C on the plus strand (T>G on the coding strand, the complement: BRIP1 is on the minus strand). VCF-style: chr17-61793657-A-C. GRCh37 (hg19) VCF-style: chr17-59871018-A-C.
Other names: short protein forms N471K.
Identifiers: ClinVar variation 4867933 (VCV004867933.1).

ClinVar aggregate classification (germline): Uncertain significance (1 of 4 stars; one submission).

Conditions:
Hereditary cancer-predisposing syndrome. Also called: Neoplastic Syndromes, Hereditary; Tumor predisposition; Hereditary Cancer Syndrome; Hereditary neoplastic syndrome. Identifiers: Orphanet 140162, MedGen C0027672, MeSH D009386, MONDO:0015356.

Submission:

Ambry Genetics
Classification: Uncertain significance for Hereditary cancer-predisposing syndrome. Last evaluated: 2026-05-19. Review status: criteria provided, single submitter. Criteria: Ambry Variant Classification Scheme 2023. Collection method: clinical testing. Allele origin: germline.
Comment: The p.N471K variant (also known as c.1413T>G), located in coding exon 9 of the BRIP1 gene, results from a T to G substitution at nucleotide position 1413. The asparagine at codon 471 is replaced by lysine, an amino acid with similar properties. This amino acid position is conserved. In addition, this alteration is predicted to be tolerated by in silico analysis. Based on the available evidence, the clinical significance of this variant remains unclear.